The following is an entry in ClinVar:

NM_000975.5(RPL11):c.158-2A>C

Gene: RPL11 (ribosomal protein L11; plus strand). Cytogenetic location: 1p36.11.
Variant type: single nucleotide variant.
Coding change: c.158-2A>C on transcript NM_000975.5 (MANE Select); the canonical splice acceptor site of the intron before coding-DNA position 158, A replaced by C.
Molecular consequence: splice acceptor variant.
Genome position (GRCh38, 1-based): chr1:23,693,805, A>C. VCF-style: chr1-23693805-A-C. GRCh37 (hg19) VCF-style: chr1-24020295-A-C.
Other names: c.155-2A>C (NM_001199802.1).
Identifiers: ClinVar variation 1775730 (VCV001775730.2), dbSNP rs2523398100, ClinGen allele CA338992568.

ClinVar aggregate classification (germline): Pathogenic (1 of 4 stars; one submission).

Conditions:
Diamond-Blackfan anemia. Also called: Blackfan Diamond syndrome; Aregenerative anemia chronic congenital; Red cell aplasia, pure hereditary; Congenital hypoplastic anemia; Aase syndrome. Identifiers: Orphanet 124, MedGen C1260899, MeSH D029503, MONDO:0015253, HP:0004810.

Submission:

Ambry Genetics
Classification: Pathogenic for Diamond-Blackfan anemia. Last evaluated: 2016-09-09. Review status: criteria provided, single submitter. Criteria: Ambry Variant Classification Scheme 2023. Collection method: clinical testing. Allele origin: germline.
Comment: The c.158-2A>C intronic pathogenic mutation results from an A to C substitution two nucleotides upstream from coding exon 3 in the RPL11 gene. This mutation was reported in a patient with Diamond-Blackfan anemia (DBA) with growth retardation but no malformations; In addition to the clinical data presented in the literature, alterations that disrupt the canonical splice site are expected to cause aberrant splicing, resulting in an abnormal protein or a transcript that is subject to nonsense-mediated mRNA decay. As such, this alteration is classified as pathogenic.

Literature cited by the submitters: PubMed 20960466.